The following is an entry in ClinVar:

ClinVar aggregate classification (germline): Uncertain significance (1 of 4 stars; one submission).

Allele frequency attached by ClinVar (database versions not stated): TOPMed below 0.00001; gnomAD 0.00002; gnomAD exomes 0.00002.
gnomAD v4.1: 29 of 1,613,396 alleles (0.0018%); highest among the groups gnomAD compares: Non-Finnish European, 0.0023%; no homozygotes.

Submission:

Labcorp Genetics (formerly Invitae), Labcorp
Classification: Uncertain significance. Last evaluated: 2022-07-29. Review status: criteria provided, single submitter. Criteria: Invitae Variant Classification Sherloc (09022015). Collection method: clinical testing. Allele origin: germline.
Comment: This variant is present in population databases (rs755652862, gnomAD 0.003%). This sequence change replaces lysine, which is basic and polar, with glutamine, which is neutral and polar, at codon 1520 of the HMCN1 protein (p.Lys1520Gln). This variant has not been reported in the literature in individuals affected with HMCN1-related conditions. Algorithms developed to predict the effect of missense changes on protein structure and function are either unavailable or do not agree on the potential impact of this missense change (SIFT: "Deleterious"; PolyPhen-2: "Probably Damaging"; Align-GVGD: "Class C0"). In summary, the available evidence is currently insufficient to determine the role of this variant in disease. Therefore, it has been classified as a Variant of Uncertain Significance.

NM_031935.3(HMCN1):c.4558A>C (p.Lys1520Gln)

Gene: HMCN1 (hemicentin 1; plus strand). Cytogenetic location: 1q31.1.
Variant type: single nucleotide variant.
Coding change: c.4558A>C on transcript NM_031935.3 (MANE Select); coding-DNA position 4558, A replaced by C.
Protein change: p.Lys1520Gln; replaces lysine 1520 with glutamine.
Molecular consequence: missense variant.
Genome position (GRCh38, 1-based): chr1:186,007,210, A>C. VCF-style: chr1-186007210-A-C. GRCh37 (hg19) VCF-style: chr1-185976342-A-C.
Other names: short protein forms K1520Q.
Identifiers: ClinVar variation 1911260 (VCV001911260.5), dbSNP rs755652862, ClinGen allele CA1292051.